The following is an entry in ClinVar:

ClinVar aggregate classification (germline): Uncertain significance (1 of 4 stars; one submission).

Conditions:
Familial hemophagocytic lymphohistiocytosis 5. Also called: STXBP2-Related Familial Hemophagocytic Lymphohistiocytosis (STXBP2-fHLH). Identifiers: Orphanet 540, MedGen C2751293, MONDO:0013135, OMIM 613101.

Submission:

Labcorp Genetics (formerly Invitae), Labcorp
Classification: Uncertain significance for Familial hemophagocytic lymphohistiocytosis 5. Last evaluated: 2021-06-19. Review status: criteria provided, single submitter. Criteria: Invitae Variant Classification Sherloc (09022015). Collection method: clinical testing. Allele origin: germline.
Comment: In summary, the available evidence is currently insufficient to determine the role of this variant in disease. Therefore, it has been classified as a Variant of Uncertain Significance. Algorithms developed to predict the effect of missense changes on protein structure and function (SIFT, PolyPhen-2, Align-GVGD) all suggest that this variant is likely to be tolerated, but these predictions have not been confirmed by published functional studies and their clinical significance is uncertain. This variant has not been reported in the literature in individuals with STXBP2-related conditions. The frequency data for this variant in the population databases is considered unreliable, as metrics indicate insufficient coverage at this position in the ExAC database. This sequence change replaces valine with alanine at codon 10 of the STXBP2 protein (p.Val10Ala). The valine residue is moderately conserved and there is a small physicochemical difference between valine and alanine.

NM_006949.4(STXBP2):c.29T>C (p.Val10Ala)

Gene: STXBP2 (syntaxin binding protein 2; plus strand). Cytogenetic location: 19p13.2.
Variant type: single nucleotide variant.
Coding change: c.29T>C on transcript NM_006949.4 (MANE Select); coding-DNA position 29, T replaced by C.
Protein change: p.Val10Ala; replaces valine 10 with alanine.
Molecular consequence: missense variant. On other transcripts: non-coding transcript variant (1).
Genome position (GRCh38, 1-based): chr19:7,637,178, T>C. VCF-style: chr19-7637178-T-C. GRCh37 (hg19) VCF-style: chr19-7702064-T-C.
Other names: c.29T>C, p.Val10Ala (NM_001127396.3, NM_001272034.2); short protein forms V10A.
Identifiers: ClinVar variation 1362610 (VCV001362610.6), dbSNP rs2098942359, ClinGen allele CA403155136.